The following is an entry in ClinVar:

NM_053025.4(MYLK):c.1657C>T (p.Pro553Ser)

Gene: MYLK (myosin light chain kinase; minus strand). Cytogenetic location: 3q21.1.
Variant type: single nucleotide variant.
Coding change: c.1657C>T on transcript NM_053025.4 (MANE Select); coding-DNA position 1657, C replaced by T.
Protein change: p.Pro553Ser; replaces proline 553 with serine.
Molecular consequence: missense variant.
Genome position (GRCh38, 1-based): chr3:123,722,275, G>A on the plus strand (C>T on the coding strand, the complement: MYLK is on the minus strand). VCF-style: chr3-123722275-G-A. GRCh37 (hg19) VCF-style: chr3-123441122-G-A.
Other names: c.1129C>T, p.Pro377Ser (NM_001321309.2); c.1450C>T, p.Pro484Ser (NM_053026.4, NM_053028.4); c.1657C>T, p.Pro553Ser (NM_053027.4); short protein forms P377S, P484S, P553S.
Identifiers: ClinVar variation 944200 (VCV000944200.9), dbSNP rs1410459876, ClinGen allele CA354235511.

ClinVar aggregate classification (germline): Uncertain significance (1 of 4 stars; one submission).

Conditions:
Aortic aneurysm, familial thoracic 7 (AAT7). Also called: AORTIC DISSECTION, FAMILIAL, WITH OR WITHOUT AORTIC ANEURYSM. Identifiers: MedGen C3151077, MONDO:0013418, OMIM 613780.

Allele frequency attached by ClinVar (database versions not stated): TOPMed below 0.00001; gnomAD 0.00001; gnomAD exomes 0.00001.

Submission:

Labcorp Genetics (formerly Invitae), Labcorp
Classification: Uncertain significance for Aortic aneurysm, familial thoracic 7. Last evaluated: 2024-07-23. Review status: criteria provided, single submitter. Criteria: Invitae Variant Classification Sherloc (09022015). Collection method: clinical testing. Allele origin: germline.
Comment: This sequence change replaces proline, which is neutral and non-polar, with serine, which is neutral and polar, at codon 553 of the MYLK protein (p.Pro553Ser). The frequency data for this variant in the population databases is considered unreliable, as metrics indicate poor data quality at this position in the gnomAD database. This variant has not been reported in the literature in individuals affected with MYLK-related conditions. ClinVar contains an entry for this variant (Variation ID: 944200). Advanced modeling of protein sequence and biophysical properties (such as structural, functional, and spatial information, amino acid conservation, physicochemical variation, residue mobility, and thermodynamic stability) performed at Invitae indicates that this missense variant is not expected to disrupt MYLK protein function with a negative predictive value of 80%. In summary, the available evidence is currently insufficient to determine the role of this variant in disease. Therefore, it has been classified as a Variant of Uncertain Significance.